The following is an entry in ClinVar:

NM_004646.4(NPHS1):c.349_357delinsTATA (p.Glu117fs)

Gene: NPHS1 (NPHS1 adhesion molecule, nephrin; minus strand). Cytogenetic location: 19q13.12.
Variant type: Indel.
Coding change: c.349_357delinsTATA on transcript NM_004646.4 (MANE Select); coding-DNA positions 349 to 357, GAGATGGGG replaced by TATA.
Protein change: p.Glu117fs; shifts the reading frame from glutamic acid 117.
Molecular consequence: frameshift variant.
Genome position (GRCh38, 1-based): chr19:35,851,302-35,851,310, CCCCATCTC replaced by TATA on the plus strand (GAGATGGGG replaced by TATA on the coding strand, the reverse complement: NPHS1 is on the minus strand). VCF-style: chr19-35851302-CCCCATCTC-TATA. GRCh37 (hg19) VCF-style: chr19-36342204-CCCCATCTC-TATA.
Other names: short protein forms E117fs.
Identifiers: ClinVar variation 1724408 (VCV001724408.2), dbSNP rs2513784818, ClinGen allele CA2580096900.

ClinVar aggregate classification (germline): Likely pathogenic (1 of 4 stars; one submission).

Conditions:
Finnish congenital nephrotic syndrome (NPHS1). Also called: NEPHROTIC SYNDROME, TYPE 1. Identifiers: Orphanet 839, MedGen C0403399, MONDO:0009732, OMIM 256300.

Submission:

Myriad Genetics, Inc.
Classification: Likely pathogenic for Finnish congenital nephrotic syndrome. Last evaluated: 2022-02-12. Review status: criteria provided, single submitter. Criteria: Myriad Women's Health Autosomal Recessive and X-Linked Classification Criteria (2021). Collection method: clinical testing. Allele origin: unknown.
Comment: NM_004646.3(NPHS1):c.349_357del9ins4(E117Yfs*52) is expected to be pathogenic in the context of nephrotic syndrome, NPHS1-related. This variant is predicted to lead to an abnormal or absent protein product due to the creation of a premature termination codon in NPHS1, a gene where loss-of-function variants are known to be pathogenic. Please note: this variant was assessed in the context of healthy population screening.